The following is an entry in ClinVar:

NM_000169.3(GLA):c.72G>C (p.Trp24Cys)

Genes: GLA (galactosidase alpha; minus strand), RPL36A-HNRNPH2 (RPL36A-HNRNPH2 readthrough; plus strand). Cytogenetic location: Xq22.1.
Variant type: single nucleotide variant.
Coding change: c.72G>C on transcript NM_000169.3 (MANE Select); coding-DNA position 72, G replaced by C.
Protein change: p.Trp24Cys; replaces tryptophan 24 with cysteine.
Molecular consequence: missense variant. On other transcripts: non-coding transcript variant (3), intron variant (2).
Genome position (GRCh38, 1-based): chrX:101,407,832, C>G on the plus strand (G>C on the coding strand, the complement: GLA is on the minus strand). VCF-style: chrX-101407832-C-G. GRCh37 (hg19) VCF-style: chrX-100662820-C-G.
Other names: c.72G>C, p.Trp24Cys (NM_001406747.1, NM_001406748.1, NM_001406749.1); c.301-4104C>G (NM_001199973.2); c.178-4104C>G (NM_001199974.2); short protein forms W24C.
Identifiers: ClinVar variation 928969 (VCV000928969.4), dbSNP rs869312392, ClinGen allele CA413937581.

ClinVar aggregate classification (germline): Uncertain significance. Review status: criteria provided, multiple submitters, no conflicts (2 of 4 stars). 2 submissions from 2 submitters: Uncertain significance (2). Last evaluated 2026-09-08.

Conditions:
Fabry disease. Also called: Fabry's disease; ANDERSON-FABRY DISEASE; CERAMIDE TRIHEXOSIDASE DEFICIENCY; Angiokeratoma corporis diffusum; GLA DEFICIENCY; HEREDITARY DYSTOPIC LIPIDOSIS. Identifiers: Orphanet 324, MedGen C0002986, MONDO:0010526, OMIM 301500, HP:0001071. Disease mechanism: loss of function, Fabry disease is due to inactivating mutations in the X-linked GLA gene resulting in deficiency of the enzyme Alpha Galactosidase-A..

Submissions (2):

Genomenon, Inc
Classification: Uncertain significance for Fabry disease. Last evaluated: 2026-09-08. Review status: criteria provided, single submitter. Criteria: Genomenon Sequence Variant Interpretation Standards - Updated. Collection method: curation. Allele origin: germline. Affected: no.
Comment: GLA p.Trp24Cys (c.72G>C) is a missense variant that changes the amino acid at codon 24 from Tryptophan to Cysteine. This variant has been reported in the published literature (PMID:27657681). It is absent or not present at a significant frequency in gnomAD. In conclusion, we classify GLA p.Trp24Cys (c.72G>C) as a variant of uncertain significance.

Women's Health and Genetics/Laboratory Corporation of America, LabCorp
Classification: Uncertain significance. Last evaluated: 2021-07-03. Review status: criteria provided, single submitter. Criteria: LabCorp Variant Classification Summary - May 2015. Collection method: clinical testing. Allele origin: germline.
Comment: Variant summary: GLA c.72G>C (p.Trp24Cys) results in a non-conservative amino acid change in the encoded protein sequence. Three of five in-silico tools predict a benign effect of the variant on protein function. The variant was absent in 183434 control chromosomes (gnomAD). The available data on variant occurrences in the general population are insufficient to allow any conclusion about variant significance. To our knowledge, no occurrence of c.72G>C in individuals affected with Fabry Disease has been reported. However, another variant, c.72G>T, which causes the same missense change, W24C, was functionally assessed and was found to have ~46% wild type activity without DGJ and ~90% wild type activity with DGJ. No clinical diagnostic laboratories have submitted clinical-significance assessments for this variant to ClinVar after 2014. Although, multiple missense changes effecting the same codon, W24G and W24R, and nearby, A20D, A20P, L21P, have been reported in association with Fabry Disease (via HGMD). Therefore, suggesting the region is important for protein function. Based on the evidence outlined above, the variant was classified as VUS-possibly pathogenic.

Literature cited by the submitters: PubMed 27657681 (cited by Genomenon, Inc); PubMed 23935525 (cited by Women's Health and Genetics/Laboratory Corporation of America, LabCorp); PubMed 27916943 (cited by Women's Health and Genetics/Laboratory Corporation of America, LabCorp).